The following is an entry in ClinVar:

ClinVar aggregate classification (germline): Uncertain significance (1 of 4 stars; one submission).

Conditions:
Fanconi anemia (FA). Also called: Fanconi's anemia. Identifiers: Orphanet 84, MedGen C0015625, MeSH D005199, MONDO:0019391.

Submission:

Labcorp Genetics (formerly Invitae), Labcorp
Classification: Uncertain significance for Fanconi anemia. Last evaluated: 2022-03-27. Review status: criteria provided, single submitter. Criteria: Invitae Variant Classification Sherloc (09022015). Collection method: clinical testing. Allele origin: germline.
Comment: In summary, the available evidence is currently insufficient to determine the role of this variant in disease. Therefore, it has been classified as a Variant of Uncertain Significance. Algorithms developed to predict the effect of missense changes on protein structure and function output the following: SIFT: "Tolerated"; PolyPhen-2: "Benign"; Align-GVGD: "Class C0". The arginine amino acid residue is found in multiple mammalian species, which suggests that this missense change does not adversely affect protein function. This variant has not been reported in the literature in individuals affected with SLX4-related conditions. This variant is not present in population databases (gnomAD no frequency). This sequence change replaces histidine, which is basic and polar, with arginine, which is basic and polar, at codon 1133 of the SLX4 protein (p.His1133Arg).

NM_032444.4(SLX4):c.3398A>G (p.His1133Arg)

Gene: SLX4 (SLX4 structure-specific endonuclease subunit; minus strand). Cytogenetic location: 16p13.3.
Variant type: single nucleotide variant.
Coding change: c.3398A>G on transcript NM_032444.4 (MANE Select); coding-DNA position 3398, A replaced by G.
Protein change: p.His1133Arg; replaces histidine 1133 with arginine.
Molecular consequence: missense variant.
Genome position (GRCh38, 1-based): chr16:3,590,240, T>C on the plus strand (A>G on the coding strand, the complement: SLX4 is on the minus strand). VCF-style: chr16-3590240-T-C. GRCh37 (hg19) VCF-style: chr16-3640241-T-C.
Other names: short protein forms H1133R.
Identifiers: ClinVar variation 1900062 (VCV001900062.5), dbSNP rs2151123660, ClinGen allele CA394520223.